The following is an entry in ClinVar:

NM_006642.5(SDCCAG8):c.1694A>G (p.Gln565Arg)

Gene: SDCCAG8 (SHH signaling and ciliogenesis regulator SDCCAG8; plus strand). Cytogenetic location: 1q43.
Variant type: single nucleotide variant.
Coding change: c.1694A>G on transcript NM_006642.5 (MANE Select); coding-DNA position 1694, A replaced by G.
Protein change: p.Gln565Arg; replaces glutamine 565 with arginine.
Molecular consequence: missense variant.
Genome position (GRCh38, 1-based): chr1:243,415,779, A>G. VCF-style: chr1-243415779-A-G. GRCh37 (hg19) VCF-style: chr1-243579081-A-G.
Other names: c.791A>G, p.Gln264Arg (NM_001350246.2, NM_001350247.2, NM_001350251.2); c.1790A>G, p.Gln597Arg (NM_001350248.2); c.1400A>G, p.Gln467Arg (NM_001350249.2); short protein forms Q467R, Q565R, Q597R, Q264R.
Identifiers: ClinVar variation 4993611 (VCV004993611.1).

ClinVar aggregate classification (germline): Uncertain significance (1 of 4 stars; one submission).

Conditions:
SDCCAG8-related disorder. Also called: SDCCAG8-related condition; SDCCAG8-Related Disorders.

Submission:

PreventionGenetics, part of Exact Sciences
Classification: Uncertain significance for SDCCAG8-related condition. Last evaluated: 2025-10-08. Review status: criteria provided, single submitter. Criteria: ACMG Guidelines, 2015. Collection method: clinical testing. Allele origin: germline.
Comment: The SDCCAG8 c.1694A>G variant is predicted to result in the amino acid substitution p.Gln565Arg. To our knowledge, this variant has not been reported in the literature. This variant is reported in 0.00088% of alleles in individuals of European (Non-Finnish) descent in gnomAD. At this time, the clinical significance of this variant is uncertain due to the absence of conclusive functional and genetic evidence.